The following is an entry in ClinVar:

ClinVar aggregate classification (germline): Uncertain significance (1 of 4 stars; one submission).

Allele frequency attached by ClinVar (database versions not stated): gnomAD 0.00004 and 0.00005; ESP Exome Variant Server 0.00008; TOPMed 0.00009; 1000 Genomes Project 0.00020; ExAC 0.00023; 1000 Genomes Project 30x 0.00031.
gnomAD v4.1: 153 of 1,611,894 alleles (0.0095%); highest among the groups gnomAD compares: South Asian, 0.06%; no homozygotes.

Submission:

Labcorp Genetics (formerly Invitae), Labcorp
Classification: Uncertain significance. Last evaluated: 2025-10-08. Review status: criteria provided, single submitter. Criteria: Invitae Variant Classification Sherloc (09022015). Collection method: clinical testing. Allele origin: germline.
Comment: This sequence change replaces methionine, which is neutral and non-polar, with threonine, which is neutral and polar, at codon 779 of the MYO18B protein (p.Met779Thr). This variant is present in population databases (rs370084344, gnomAD 0.1%). This variant has not been reported in the literature in individuals affected with MYO18B-related conditions. ClinVar contains an entry for this variant (Variation ID: 1382168). An algorithm developed to predict the effect of missense changes on protein structure and function outputs the following: PolyPhen-2: "Benign". The threonine amino acid residue is found in multiple mammalian species, which suggests that this missense change does not adversely affect protein function. In summary, the available evidence is currently insufficient to determine the role of this variant in disease. Therefore, it has been classified as a Variant of Uncertain Significance.

NM_032608.7(MYO18B):c.2336T>C (p.Met779Thr)

Gene: MYO18B (myosin XVIIIB; plus strand). Cytogenetic location: 22q12.1.
Variant type: single nucleotide variant.
Coding change: c.2336T>C on transcript NM_032608.7 (MANE Select); coding-DNA position 2336, T replaced by C.
Protein change: p.Met779Thr; replaces methionine 779 with threonine.
Molecular consequence: missense variant.
Genome position (GRCh38, 1-based): chr22:25,785,451, T>C. VCF-style: chr22-25785451-T-C. GRCh37 (hg19) VCF-style: chr22-26181418-T-C.
Other names: c.2336T>C, p.Met779Thr (NM_001318245.2); short protein forms M779T.
Identifiers: ClinVar variation 1382168 (VCV001382168.4), dbSNP rs370084344, ClinGen allele CA10160135.